The following continues an entry in ClinVar:

NM_000059.4(BRCA2):c.469_470del (p.Lys157fs)

Gene: BRCA2. ClinVar aggregate classification (germline): Pathogenic. Pathogenic (1).

Submissions 11 to 22 of 22:

Women's Health and Genetics/Laboratory Corporation of America, LabCorp
Classification: Pathogenic for Hereditary breast ovarian cancer syndrome. Last evaluated: 2022-07-26. Review status: criteria provided, single submitter. Criteria: LabCorp Variant Classification Summary - May 2015. Collection method: clinical testing. Allele origin: germline. Not counted in ClinVar's aggregate classification.
Comment: Variant summary: BRCA2 c.469_470delAA (p.Lys157ValfsX25) results in a premature termination codon, predicted to cause a truncation of the encoded protein or absence of the protein due to nonsense mediated decay, which are commonly known mechanisms for disease. Truncations downstream of this position have been classified as pathogenic by our laboratory. The variant was absent in 251040 control chromosomes. c.469_470delAA has been reported in the literature in multiple individuals affected with Hereditary Breast And Ovarian Cancer Syndrome (example, Rebbeck_2018). These data indicate that the variant is very likely to be associated with disease. Multiple clinical diagnostic laboratories and an expert panel (ENIGMA) have submitted clinical-significance assessments for this variant to ClinVar after 2014 without evidence for independent evaluation. All submitters classified the variant as pathogenic. Based on the evidence outlined above, the variant was classified as pathogenic.

Baylor Genetics
Classification: Pathogenic for Familial cancer of breast. Last evaluated: 2022-06-09. Review status: criteria provided, single submitter. Criteria: ACMG Guidelines, 2015. Collection method: clinical testing. Allele origin: unknown. Not counted in ClinVar's aggregate classification.

Consortium of Investigators of Modifiers of BRCA1/2 (CIMBA), c/o University of Cambridge
Classification: Pathogenic for Breast-ovarian cancer, familial, susceptibility to, 2. Last evaluated: 2015-10-02. Review status: criteria provided, single submitter. Criteria: CIMBA Mutation Classification guidelines May 2016. Collection method: clinical testing. Allele origin: germline. Not counted in ClinVar's aggregate classification.

Department of Medical Genetics, Oslo University Hospital
Classification: Pathogenic for Breast-ovarian cancer, familial, susceptibility to, 2. Last evaluated: 2015-07-01. Review status: criteria provided, single submitter. Criteria: ACMG Guidelines, 2015. Collection method: clinical testing. Allele origin: germline. Affected: yes. Observed: 3 variant alleles. Not counted in ClinVar's aggregate classification.

Department of Pathology and Laboratory Medicine, Sinai Health System
Classification: Likely pathogenic for Hereditary breast ovarian cancer syndrome. Review status: criteria provided, single submitter. Criteria: ACMG Guidelines, 2015. Collection method: clinical testing. Allele origin: germline. Affected: yes. Study: The Canadian Open Genetics Repository (COGR). Not counted in ClinVar's aggregate classification.

PreventionGenetics, part of Exact Sciences
Classification: Pathogenic for BRCA2-related condition. Last evaluated: 2024-01-05. Review status: no assertion criteria provided. Collection method: clinical testing. Allele origin: germline. Not counted in ClinVar's aggregate classification.
Comment: The BRCA2 c.469_470delAA variant is predicted to result in a frameshift and premature protein termination (p.Lys157Valfs*25). This variant was reported in an individual with breast and prostate cancers (described as c.697delAA, Adem. 2003. PubMed ID: 12491499; Hart. 2016. PubMed ID: 27084275). This variant has not been reported in a large population database, indicating this variant is rare. This variant is interpreted in ClinVar as pathogenic and likely pathogenic. Frameshift variants in BRCA2 are expected to be pathogenic. This variant is interpreted as pathogenic.

BRCAlab, Lund University
Classification: Pathogenic for Breast-ovarian cancer, familial, susceptibility to, 2. Last evaluated: 2020-03-02. Review status: no assertion criteria provided. Collection method: clinical testing. Allele origin: germline. Affected: yes. Not counted in ClinVar's aggregate classification.

Research Molecular Genetics Laboratory, Women's College Hospital, University of Toronto
Classification: Pathogenic for Hereditary breast ovarian cancer syndrome. Last evaluated: 2014-01-31. Review status: no assertion criteria provided. Collection method: research. Allele origin: germline. Affected: yes. Study: The Canadian Open Genetics Repository (COGR). Not counted in ClinVar's aggregate classification.

Sharing Clinical Reports Project (SCRP)
Classification: Pathogenic for Breast-ovarian cancer, familial 2. Last evaluated: 2011-05-10. Review status: no assertion criteria provided. Collection method: clinical testing. Allele origin: germline. Not counted in ClinVar's aggregate classification.

Clinical Genetics DNA and cytogenetics Diagnostics Lab, Erasmus MC, Erasmus Medical Center
Classification: Pathogenic. Review status: no assertion criteria provided. Collection method: clinical testing. Allele origin: germline. Affected: yes. Study: VKGL Data-share Consensus. Not counted in ClinVar's aggregate classification.

Clinical Genetics Laboratory, Department of Pathology, Netherlands Cancer Institute
Classification: Pathogenic. Review status: no assertion criteria provided. Collection method: clinical testing. Allele origin: germline. Affected: yes. Study: VKGL Data-share Consensus. Not counted in ClinVar's aggregate classification.

Joint Genome Diagnostic Labs from Nijmegen and Maastricht, Radboudumc and MUMC+
Classification: Pathogenic. Review status: no assertion criteria provided. Collection method: clinical testing. Allele origin: germline. Affected: yes. Study: VKGL Data-share Consensus. Not counted in ClinVar's aggregate classification.

Literature cited by the submitters: PubMed 12491499 (cited by Ambry Genetics); PubMed 19949876 (cited by 3 submitters); PubMed 20104584 (cited by 5 submitters); PubMed 26833046 (cited by Ambry Genetics); PubMed 27084275 (cited by 5 submitters); PubMed 29566657 (cited by 3 submitters); PubMed 21553119 (cited by 4 submitters); PubMed 8988179 (cited by All of Us Research Program, National Institutes of Health); PubMed 11897832 (cited by All of Us Research Program, National Institutes of Health); PubMed 29446198 (cited by 3 submitters); PubMed 32566972 (cited by All of Us Research Program, National Institutes of Health); PubMed 34235180 (cited by Quest Diagnostics Nichols Institute San Juan Capistrano); PubMed 29339979 (cited by Quest Diagnostics Nichols Institute San Juan Capistrano and Color Diagnostics, LLC DBA Color Health).